The following is an entry in ClinVar:

ClinVar aggregate classification (germline): Uncertain significance (1 of 4 stars; one submission).

Allele frequency attached by ClinVar (database versions not stated): gnomAD exomes below 0.00001.
gnomAD v4.1: 1 of 1,613,874 alleles (0.000062%); highest among the groups gnomAD compares: Non-Finnish European, 0.000085%; no homozygotes.

Submission:

Labcorp Genetics (formerly Invitae), Labcorp
Classification: Uncertain significance. Last evaluated: 2023-02-16. Review status: criteria provided, single submitter. Criteria: Invitae Variant Classification Sherloc (09022015). Collection method: clinical testing. Allele origin: germline.
Comment: This sequence change replaces aspartic acid, which is acidic and polar, with glycine, which is neutral and non-polar, at codon 333 of the GNA11 protein (p.Asp333Gly). This variant is present in population databases (no rsID available, gnomAD 0.0009%). This variant has not been reported in the literature in individuals affected with GNA11-related conditions. Advanced modeling of protein sequence and biophysical properties (such as structural, functional, and spatial information, amino acid conservation, physicochemical variation, residue mobility, and thermodynamic stability) performed at Invitae indicates that this missense variant is expected to disrupt GNA11 protein function. In summary, the available evidence is currently insufficient to determine the role of this variant in disease. Therefore, it has been classified as a Variant of Uncertain Significance.

NM_002067.5(GNA11):c.998A>G (p.Asp333Gly)

Gene: GNA11 (G protein subunit alpha 11; plus strand). Cytogenetic location: 19p13.3.
Variant type: single nucleotide variant.
Coding change: c.998A>G on transcript NM_002067.5 (MANE Select); coding-DNA position 998, A replaced by G.
Protein change: p.Asp333Gly; replaces aspartic acid 333 with glycine.
Molecular consequence: missense variant.
Genome position (GRCh38, 1-based): chr19:3,121,097, A>G. VCF-style: chr19-3121097-A-G. GRCh37 (hg19) VCF-style: chr19-3121095-A-G.
Other names: short protein forms D333G.
Identifiers: ClinVar variation 2877191 (VCV002877191.3), dbSNP rs1323407613, ClinGen allele CA403312299.